The following is an entry in ClinVar:

ClinVar aggregate classification (germline): Uncertain significance (1 of 4 stars; one submission).

Conditions:
Cardiovascular phenotype. Identifiers: MedGen CN230736.

Submission:

Ambry Genetics
Classification: Uncertain significance for Cardiovascular phenotype. Last evaluated: 2026-03-08. Review status: criteria provided, single submitter. Criteria: Ambry Variant Classification Scheme 2023. Collection method: clinical testing. Allele origin: germline.
Comment: The p.S747N variant (also known as c.2240G>A), located in coding exon 14 of the CBL gene, results from a G to A substitution at nucleotide position 2240. The serine at codon 747 is replaced by asparagine, an amino acid with highly similar properties. This amino acid position is conserved. In addition, this alteration is predicted to be tolerated by in silico analysis. Based on the available evidence, the clinical significance of this variant remains unclear.

NM_005188.4(CBL):c.2240G>A (p.Ser747Asn)

Gene: CBL (Cbl proto-oncogene; plus strand). Cytogenetic location: 11q23.3.
Variant type: single nucleotide variant.
Coding change: c.2240G>A on transcript NM_005188.4 (MANE Select); coding-DNA position 2240, G replaced by A.
Protein change: p.Ser747Asn; replaces serine 747 with asparagine.
Molecular consequence: missense variant.
Genome position (GRCh38, 1-based): chr11:119,297,470, G>A. VCF-style: chr11-119297470-G-A. GRCh37 (hg19) VCF-style: chr11-119168180-G-A.
Other names: short protein forms S747N.
Identifiers: ClinVar variation 4827371 (VCV004827371.1).